The following is an entry in ClinVar:

ClinVar aggregate classification (germline): Likely benign. Review status: criteria provided, multiple submitters, no conflicts (2 of 4 stars). 2 submissions from 2 submitters: Likely benign (2). Last evaluated 2025-11-18.

Conditions:
UBR1-related disorder. Also called: UBR1-related condition.

gnomAD v4.1: 20 of 1,495,390 alleles (0.0013%); highest among the groups gnomAD compares: Non-Finnish European, 0.0018%; no homozygotes.

Submissions (2):

PreventionGenetics, part of Exact Sciences
Classification: Likely benign for UBR1-related condition. Last evaluated: 2025-11-18. Review status: criteria provided, single submitter. Criteria: ACMG Guidelines, 2015. Collection method: clinical testing. Allele origin: germline.
Comment: This variant is classified as likely benign based on ACMG/AMP sequence variant interpretation guidelines (Richards et al. 2015 PMID: 25741868, with internal and published modifications).

Labcorp Genetics (formerly Invitae), Labcorp
Classification: Likely benign. Last evaluated: 2023-07-07. Review status: criteria provided, single submitter. Criteria: Invitae Variant Classification Sherloc (09022015). Collection method: clinical testing. Allele origin: germline.

NM_174916.3(UBR1):c.2023-7C>T

Gene: UBR1 (ubiquitin protein ligase E3 component n-recognin 1; minus strand). Cytogenetic location: 15q15.2.
Variant type: single nucleotide variant.
Coding change: c.2023-7C>T on transcript NM_174916.3 (MANE Select); 7 bases into the intron before coding-DNA position 2023, C replaced by T.
Molecular consequence: intron variant.
Genome position (GRCh38, 1-based): chr15:43,036,600, G>A on the plus strand (C>T on the coding strand, the complement: UBR1 is on the minus strand). VCF-style: chr15-43036600-G-A. GRCh37 (hg19) VCF-style: chr15-43328798-G-A.
Other names: c.2023-7C>T (NM_174916.2).
Identifiers: ClinVar variation 2779663 (VCV002779663.4), dbSNP rs774152475, ClinGen allele CA7518581.